The following is an entry in ClinVar:

ClinVar aggregate classification (germline): Uncertain significance. Review status: criteria provided, multiple submitters, no conflicts (2 of 4 stars). 2 submissions from 2 submitters: Uncertain significance (2). Last evaluated 2025-10-02.

Conditions:
Early-infantile DEE. Also called: Ohtahara syndrome; Early infantile epileptic encephalopathy; Early infantile epileptic encephalopathy with suppression bursts. Identifiers: Orphanet 1934, MedGen C0393706, MONDO:0800491.

Allele frequency attached by ClinVar (database versions not stated): gnomAD exomes 0.00001.

Submissions (2):

Ambry Genetics
Classification: Uncertain significance. Last evaluated: 2025-10-02. Review status: criteria provided, single submitter. Criteria: Ambry Variant Classification Scheme 2023. Collection method: clinical testing. Allele origin: germline.

Labcorp Genetics (formerly Invitae), Labcorp
Classification: Uncertain significance for Early-infantile DEE. Last evaluated: 2022-06-23. Review status: criteria provided, single submitter. Criteria: Invitae Variant Classification Sherloc (09022015). Collection method: clinical testing. Allele origin: germline.
Comment: This sequence change replaces arginine, which is basic and polar, with cysteine, which is neutral and slightly polar, at codon 27 of the ARHGEF15 protein (p.Arg27Cys). In summary, the available evidence is currently insufficient to determine the role of this variant in disease. Therefore, it has been classified as a Variant of Uncertain Significance. Algorithms developed to predict the effect of missense changes on protein structure and function are either unavailable or do not agree on the potential impact of this missense change (SIFT: "Deleterious"; PolyPhen-2: "Probably Damaging"; Align-GVGD: "Class C0"). This variant has not been reported in the literature in individuals affected with ARHGEF15-related conditions. This variant is present in population databases (rs778438745, gnomAD 0.003%).

NM_173728.4(ARHGEF15):c.79C>T (p.Arg27Cys)

Gene: ARHGEF15 (Rho guanine nucleotide exchange factor 15; plus strand). Cytogenetic location: 17p13.1.
Variant type: single nucleotide variant.
Coding change: c.79C>T on transcript NM_173728.4 (MANE Select); coding-DNA position 79, C replaced by T.
Protein change: p.Arg27Cys; replaces arginine 27 with cysteine.
Molecular consequence: missense variant.
Genome position (GRCh38, 1-based): chr17:8,312,118, C>T. VCF-style: chr17-8312118-C-T. GRCh37 (hg19) VCF-style: chr17-8215436-C-T.
Other names: c.79C>T (NM_173728.3); c.79C>T, p.Arg27Cys (NM_025014.2); short protein forms R27C.
Identifiers: ClinVar variation 1903115 (VCV001903115.6), dbSNP rs778438745, ClinGen allele CA8374783.
Genomic context (GRCh38, chr17:8,312,118, plus strand): 5'-CCTGCAGCAACACCCCCCACGCAGAAGCCCCCTCGGATCATCCGCCCCCGCCCTCCTTCT[C>T]GTTCCAGGGCTGCCCAGTCCCCAGGGCCTCCCCACAATGGCTCCTCTCCACAAGAACTAC-3'
Protein context (NP_776089.2, residues 17-37): PRIIRPRPPS[Arg27Cys]SRAAQSPGPP